The following is an entry in ClinVar:

ClinVar aggregate classification (germline): Uncertain significance (1 of 4 stars; one submission).

Allele frequency attached by ClinVar (database versions not stated): gnomAD exomes below 0.00001; gnomAD 0.00001.
gnomAD v4.1: 3 of 1,613,734 alleles (0.00019%); highest among the groups gnomAD compares: Admixed American, 0.0033%; no homozygotes.

Submission:

GeneDx
Classification: Uncertain significance. Last evaluated: 2019-10-09. Review status: criteria provided, single submitter. Criteria: GeneDx Variant Classification Process June 2021. Collection method: clinical testing. Allele origin: germline. Affected: yes.
Comment: Not observed at a significant frequency in large population cohorts (Lek et al., 2016); In silico analysis, which includes protein predictors and evolutionary conservation, supports that this variant does not alter protein structure/function; Has not been previously published as pathogenic or benign to our knowledge

NM_001042517.2(DIAPH3):c.2667A>G (p.Ile889Met)

Gene: DIAPH3 (diaphanous related formin 3; minus strand). Cytogenetic location: 13q21.2.
Variant type: single nucleotide variant.
Coding change: c.2667A>G on transcript NM_001042517.2 (MANE Select); coding-DNA position 2667, A replaced by G.
Protein change: p.Ile889Met; replaces isoleucine 889 with methionine.
Molecular consequence: missense variant.
Genome position (GRCh38, 1-based): chr13:59,861,477, T>C on the plus strand (A>G on the coding strand, the complement: DIAPH3 is on the minus strand). VCF-style: chr13-59861477-T-C. GRCh37 (hg19) VCF-style: chr13-60435611-T-C.
Other names: c.2634A>G, p.Ile878Met (NM_001258366.2); c.2529A>G, p.Ile843Met (NM_001258367.2); c.2457A>G, p.Ile819Met (NM_001258368.2); c.2667A>G, p.Ile889Met (NM_001258369.2); c.1878A>G, p.Ile626Met (NM_001258370.2, NM_030932.4); short protein forms I626M, I819M, I843M, I878M, I889M.
Identifiers: ClinVar variation 1309202 (VCV001309202.2), dbSNP rs1413001450, ClinGen allele CA388329786.